The following is an entry in ClinVar:

NM_001195263.2(PDZD7):c.625C>T (p.Arg209Cys)

Gene: PDZD7 (PDZ domain containing 7; minus strand). Cytogenetic location: 10q24.31.
Variant type: single nucleotide variant.
Coding change: c.625C>T on transcript NM_001195263.2 (MANE Select); coding-DNA position 625, C replaced by T.
Protein change: p.Arg209Cys; replaces arginine 209 with cysteine.
Molecular consequence: missense variant.
Genome position (GRCh38, 1-based): chr10:101,022,303, G>A on the plus strand (C>T on the coding strand, the complement: PDZD7 is on the minus strand). VCF-style: chr10-101022303-G-A. GRCh37 (hg19) VCF-style: chr10-102782060-G-A.
Other names: c.625C>T, p.Arg209Cys (NM_001351044.2, NM_024895.5); short protein forms R209C.
Identifiers: ClinVar variation 1942571 (VCV001942571.5), dbSNP rs776680703, ClinGen allele CA5654314.

ClinVar aggregate classification (germline): Uncertain significance (1 of 4 stars; one submission).

Allele frequency attached by ClinVar (database versions not stated): ExAC 0.00001; gnomAD 0.00001; TOPMed 0.00001; 1000 Genomes Project 30x 0.00016.

Submission:

Labcorp Genetics (formerly Invitae), Labcorp
Classification: Uncertain significance. Last evaluated: 2024-09-16. Review status: criteria provided, single submitter. Criteria: Invitae Variant Classification Sherloc (09022015). Collection method: clinical testing. Allele origin: germline.
Comment: This sequence change replaces arginine, which is basic and polar, with cysteine, which is neutral and slightly polar, at codon 209 of the PDZD7 protein (p.Arg209Cys). This variant is present in population databases (rs776680703, gnomAD 0.01%). This variant has not been reported in the literature in individuals affected with PDZD7-related conditions. ClinVar contains an entry for this variant (Variation ID: 1942571). Invitae Evidence Modeling of protein sequence and biophysical properties (such as structural, functional, and spatial information, amino acid conservation, physicochemical variation, residue mobility, and thermodynamic stability) has been performed for this missense variant. However, the output from this modeling did not meet the statistical confidence thresholds required to predict the impact of this variant on PDZD7 protein function. In summary, the available evidence is currently insufficient to determine the role of this variant in disease. Therefore, it has been classified as a Variant of Uncertain Significance.